The following is an entry in ClinVar:

NM_006393.3(NEBL):c.658G>A (p.Val220Met)

Gene: NEBL (nebulette; minus strand). Cytogenetic location: 10p12.31.
Variant type: single nucleotide variant.
Coding change: c.658G>A on transcript NM_006393.3 (MANE Select); coding-DNA position 658, G replaced by A.
Protein change: p.Val220Met; replaces valine 220 with methionine.
Molecular consequence: missense variant. On other transcripts: intron variant (9).
Genome position (GRCh38, 1-based): chr10:20,868,690, C>T on the plus strand (G>A on the coding strand, the complement: NEBL is on the minus strand). VCF-style: chr10-20868690-C-T. GRCh37 (hg19) VCF-style: chr10-21157619-C-T.
Other names: c.250-55750G>A (NM_001377326.1, NM_001377327.1, NM_001377328.1); c.358-55750G>A (NM_213569.2, NM_001173484.2, NM_001377322.1); c.301-55750G>A (NM_001377324.1); c.292-55750G>A (NM_001377325.1); c.310-55750G>A (NM_001377323.1); short protein forms V220M.
Identifiers: ClinVar variation 222750 (VCV000222750.9), dbSNP rs571563897, ClinGen allele CA088519.

ClinVar aggregate classification (germline): Uncertain significance. Review status: criteria provided, multiple submitters, no conflicts (2 of 4 stars). 3 submissions from 3 submitters: Uncertain significance (3). Last evaluated 2024-05-16.

Conditions:
Primary dilated cardiomyopathy (DCM). Also called: Dilated Cardiomyopathy. Identifiers: Orphanet 217604, MedGen C0007193, MeSH D002311, MONDO:0005021, HP:0001644. Inheritance: Various modes of inheritance.

Allele frequency attached by ClinVar (database versions not stated): 1000 Genomes Project 0.00020; ExAC 0.00001; 1000 Genomes Project 30x 0.00016; TOPMed 0.00001.
gnomAD v4.1: 90 of 1,611,502 alleles (0.0056%); highest among the groups gnomAD compares: Non-Finnish European, 0.0069%; no homozygotes.

Submissions (3):

Labcorp Genetics (formerly Invitae), Labcorp
Classification: Uncertain significance for Primary dilated cardiomyopathy. Last evaluated: 2024-05-16. Review status: criteria provided, single submitter. Criteria: Invitae Variant Classification Sherloc (09022015). Collection method: clinical testing. Allele origin: germline.
Comment: This sequence change replaces valine, which is neutral and non-polar, with methionine, which is neutral and non-polar, at codon 220 of the NEBL protein (p.Val220Met). This variant is present in population databases (rs571563897, gnomAD 0.003%). This variant has not been reported in the literature in individuals affected with NEBL-related conditions. ClinVar contains an entry for this variant (Variation ID: 222750). Algorithms developed to predict the effect of missense changes on protein structure and function output the following: SIFT: "Not Available"; PolyPhen-2: "Benign"; Align-GVGD: "Not Available". The methionine amino acid residue is found in multiple mammalian species, which suggests that this missense change does not adversely affect protein function. In summary, the available evidence is currently insufficient to determine the role of this variant in disease. Therefore, it has been classified as a Variant of Uncertain Significance.

Ambry Genetics
Classification: Uncertain significance. Last evaluated: 2023-09-20. Review status: criteria provided, single submitter. Criteria: Ambry Variant Classification Scheme 2023. Collection method: clinical testing. Allele origin: germline.

GeneDx
Classification: Uncertain significance. Last evaluated: 2017-05-03. Review status: criteria provided, single submitter. Criteria: GeneDx Variant Classification (06012015). Collection method: clinical testing. Allele origin: germline. Affected: yes.
Comment: A variant of uncertain significance has been identified in the NEBL gene. The V220M variant has notbeen published as pathogenic or been reported as benign to our knowledge. However, it is classified as a variant of uncertain significance in ClinVar by a different clinical laboratory in association with DCM(ClinVar SCV000264122.1; Landrum et al., 2016). The V220M variant is a conservative amino acid substitution, which is not likely to impact secondary protein structure as these residues share similar properties. Additionally, this substitution occurs at a position that is not conserved across species and methionine (M) is the wild-type residue at this position in at least two mammalian species.Furthermore, in silico analysis is inconsistent in its predictions as to whether or not the variant isdamaging to the protein structure/function. Nevertheless, the V220M variant is not observed at a significant frequency in large population cohorts (Lek et al., 2016; 1000 Genomes Consortium et al., 2015; Exome Variant Server).